The following is an entry in ClinVar:

ClinVar aggregate classification (germline): Pathogenic. Review status: criteria provided, multiple submitters, no conflicts (2 of 4 stars). 9 submissions from 9 submitters: Pathogenic (8). 1 of the submissions does not count toward it. Last evaluated 2025-12-09.

Conditions:
Rare genetic deafness. Identifiers: Orphanet 96210, MedGen C5680250.
DIAPH1-related disorders.
Autosomal dominant nonsyndromic hearing loss 1. Also called: DEAFNESS, AUTOSOMAL DOMINANT 1, WITH OR WITHOUT THROMBOCYTOPENIA; KONIGSMARK SYNDROME. Identifiers: Orphanet 90635, MedGen C1852282, MONDO:0007424, OMIM 124900.
Progressive microcephaly-seizures-cortical blindness-developmental delay syndrome. Also called: Seizures, cortical blindness, and microcephaly syndrome. Identifiers: Orphanet 477814, MedGen C5567650, MONDO:0014714, OMIM 616632.

Allele frequency attached by ClinVar (database versions not stated): gnomAD exomes below 0.00001.
gnomAD v4.1: 3 of 1,614,078 alleles (0.00019%); highest among the groups gnomAD compares: Non-Finnish European, 0.00025%; no homozygotes.

Submissions (9):

Genetics Research Center, University of Social Welfare and Rehabilitation Sciences
Classification: Pathogenic for Autosomal dominant nonsyndromic hearing loss 1. Last evaluated: 2025-12-09. Review status: criteria provided, single submitter. Criteria: ACMG Guidelines, 2015. Collection method: research. Allele origin: germline. Affected: yes.
Comment: The variant is absent from the gnomAD v2.1.1 dataset. It has been previously reported in individual(s) with DIAPH1-related disorders (PMID: 37543941, 27808407, 34232383, 29985732, 27911912, 28815995, 31152317, 31473629, 32594080, 34223798, 28983057). Functional studies indicate that the p.(R1213X) variant exhibits higher activity than the wild-type protein (PMID: 26912466, 27707755).

Labcorp Genetics (formerly Invitae), Labcorp
Classification: Pathogenic for Progressive microcephaly-seizures-cortical blindness-developmental delay syndrome; Autosomal dominant nonsyndromic hearing loss 1. Last evaluated: 2025-12-03. Review status: criteria provided, single submitter. Criteria: Invitae Variant Classification Sherloc (09022015). Collection method: clinical testing. Allele origin: germline.
Comment: This sequence change creates a premature translational stop signal (p.Arg1213*) in the DIAPH1 gene. While this is not anticipated to result in nonsense mediated decay, it is expected to disrupt the last 60 amino acid(s) of the DIAPH1 protein. This variant is not present in population databases (gnomAD no frequency). This premature translational stop signal has been observed in individual(s) with autosomal dominant hearing loss with or without macrothrombocytopenia (PMID: 26912466, 27707755, 27808407, 27911912, 28815995, 28983057). It has also been observed to segregate with disease in related individuals. This variant is also known as c.3610C>T (R1204X). ClinVar contains an entry for this variant (Variation ID: 228577). Algorithms developed to predict the effect of variants on gene product structure and function are not available or were not evaluated for this variant. Experimental studies have shown that this premature translational stop signal affects DIAPH1 function leading to constitutive activation for gain-of-function (PMID: 26912466, 27707755, 32678080). For these reasons, this variant has been classified as Pathogenic.

GeneDx
Classification: Pathogenic. Last evaluated: 2024-04-25. Review status: criteria provided, single submitter. Criteria: GeneDx Variant Classification Process June 2021. Collection method: clinical testing. Allele origin: germline. Affected: yes.
Comment: Identified in multiple unrelated individuals with autosomal dominant sensorineural hearing loss in published literature; thrombocytopenia was also reported in several families (PMID: 28983057, 27911912, 26912466, 27808407, 27707755); Published functional studies demonstrate the p.(R1213X) variant causes increased activity as compared to wild-type (PMID: 26912466, 27707755); Nonsense variant predicted to result in protein truncation as the last 60 amino acids are lost; Not observed in large population cohorts (gnomAD); This variant is associated with the following publications: (PMID: 27808407, 37543941, 34232383, 27707755, 29985732, 27911912, 28815995, 31152317, 31473629, 32594080, 34223798, 28983057, 26912466)

Blueprint Genetics
Classification: Pathogenic for DIAPH1-related disorders. Last evaluated: 2024-04-08. Review status: criteria provided, single submitter. Criteria: ACMG Guidelines, 2015. Collection method: clinical testing. Allele origin: germline. Affected: yes. Observed: 5 variant alleles.

CeGaT Center for Human Genetics Tuebingen
Classification: Pathogenic. Last evaluated: 2020-09-01. Review status: criteria provided, single submitter. Criteria: CeGaT Center For Human Genetics Tuebingen Variant Classification Criteria Version 2. Collection method: clinical testing. Allele origin: germline. Affected: yes. Observed: 3 variant alleles.

Laboratory for Molecular Medicine, Mass General Brigham Personalized Medicine
Classification: Pathogenic for Rare genetic deafness. Last evaluated: 2018-11-04. Review status: criteria provided, single submitter. Criteria: LMM Criteria. Collection method: clinical testing. Allele origin: germline. Inheritance: Autosomal dominant inheritance. Observed: 2 variant alleles.
Comment: The p.Arg1213X variant in DIAPH1 has been reported in six probands with either h earing loss or hearing loss with thrombocytopenia and segregated in 10 affected family members (Iwasa 2016, Stritt 2016, Ueyama 2016, Neuhaus 2017). This varian t was absent from large population studies. A mouse model expressing the p.Arg12 13X variant exhibited progressive hearing loss and loss of inner and outer hair cells. Homozygous mice exhibited an exacerbated hearing loss (Ueyama 2016). Addi tional studies performed in transfected cells indicate that this variant may res ult in constitutive activation of the DIAPH1 protein, a member of the formin pro tein family, which nucleate and elongate actin (Ueyama 2016). Furthermore, cultu red megakaryocytes from patients harboring p.Arg1213X showed reduced proplatelet formation, cell clustering and abnormal cortical filamentous actin, and platele ts had increased actin and stable microtubules. RT-PCR performed on samples from 2 probands showed presence of both wild-type and Arg1213X mRNA, suggesting that the DIAPH1 is prematurely truncated. Collectively, the functional evidence sugg ests either a gain-of-function or dominant negative effect. In summary, this var iant meets criteria to be classified as pathogenic for autosomal dominant hearin g loss with thrombocytopenia. ACMG/AMP criteria applied: PS3, PP1_Strong, PM2, P S4_Moderate.

Eurofins Ntd Llc (ga)
Classification: Pathogenic. Last evaluated: 2018-06-19. Review status: criteria provided, single submitter. Criteria: EGL ClinVar v180209 classification definitions. Collection method: clinical testing. Allele origin: germline. Observed: 1 variant allele, 1 heterozygote.

ISTH-SSC Genomics in Thrombosis and Hemostasis, KU Leuven, Center for Molecular and Vascular Biology
Classification: Pathogenic for Autosomal dominant nonsyndromic hearing loss 1. Review status: criteria provided, single submitter. Criteria: ACMG Guidelines, 2015. Collection method: clinical testing. Allele origin: germline. Affected: yes. Observed: 2 heterozygotes. Clinical features observed: Deafness, Neutropenia, Macrothrombocytopenia.
Comment: Submitted to GoldVariant by Jose María Bastida and José Rivera; Grupo Español de Alteraciones Plaquetarias Congénitas (GEAPC)

OMIM
Classification: Pathogenic for DEAFNESS, AUTOSOMAL DOMINANT 1, WITH THROMBOCYTOPENIA. Last evaluated: 2019-11-25. Review status: no assertion criteria provided. Collection method: literature only. Allele origin: germline. Not counted in ClinVar's aggregate classification.

Literature cited by the submitters: PubMed 37543941 (cited by Genetics Research Center, University of Social Welfare and Rehabilitation Sciences); PubMed 27808407 (cited by 4 submitters); PubMed 34232383 (cited by Genetics Research Center, University of Social Welfare and Rehabilitation Sciences); PubMed 27707755 (cited by 3 submitters); PubMed 29985732 (cited by Genetics Research Center, University of Social Welfare and Rehabilitation Sciences); PubMed 27911912 (cited by 3 submitters); PubMed 28815995 (cited by 3 submitters); PubMed 31152317 (cited by Genetics Research Center, University of Social Welfare and Rehabilitation Sciences); PubMed 31473629 (cited by Genetics Research Center, University of Social Welfare and Rehabilitation Sciences); PubMed 32594080 (cited by Genetics Research Center, University of Social Welfare and Rehabilitation Sciences); PubMed 34223798 (cited by Genetics Research Center, University of Social Welfare and Rehabilitation Sciences); PubMed 28983057 (cited by Genetics Research Center, University of Social Welfare and Rehabilitation Sciences and Labcorp Genetics (formerly Invitae), Labcorp); PubMed 26912466 (cited by 4 submitters); PubMed 32678080 (cited by Labcorp Genetics (formerly Invitae), Labcorp).

NM_005219.5(DIAPH1):c.3637C>T (p.Arg1213Ter)

Gene: DIAPH1 (diaphanous related formin 1; minus strand). Cytogenetic location: 5q31.3.
Variant type: single nucleotide variant.
Coding change: c.3637C>T on transcript NM_005219.5 (MANE Select); coding-DNA position 3637, C replaced by T.
Protein change: p.Arg1213Ter; replaces arginine 1213 with a stop codon.
Molecular consequence: nonsense.
Genome position (GRCh38, 1-based): chr5:141,524,167, G>A on the plus strand (C>T on the coding strand, the complement: DIAPH1 is on the minus strand). VCF-style: chr5-141524167-G-A. GRCh37 (hg19) VCF-style: chr5-140903734-G-A.
Other names: c.3610C>T, p.Arg1204Ter (NM_001079812.3); c.3637C>T, p.Arg1213Ter (NM_001314007.2); short protein forms R1213*, R1204*.
Identifiers: ClinVar variation 228577 (VCV000228577.61), dbSNP rs876657776, ClinGen allele CA10576652.